The following is an entry in ClinVar:

NM_003482.4(KMT2D):c.7027C>T (p.Pro2343Ser)

Gene: KMT2D (lysine methyltransferase 2D; minus strand). Cytogenetic location: 12q13.12.
Variant type: single nucleotide variant.
Coding change: c.7027C>T on transcript NM_003482.4 (MANE Select); coding-DNA position 7027, C replaced by T.
Protein change: p.Pro2343Ser; replaces proline 2343 with serine.
Molecular consequence: missense variant.
Genome position (GRCh38, 1-based): chr12:49,040,743, G>A on the plus strand (C>T on the coding strand, the complement: KMT2D is on the minus strand). VCF-style: chr12-49040743-G-A. GRCh37 (hg19) VCF-style: chr12-49434526-G-A.
Other names: short protein forms P2343S.
Identifiers: ClinVar variation 3635139 (VCV003635139.2).

ClinVar aggregate classification (germline): Uncertain significance (1 of 4 stars; one submission).

Conditions:
Kabuki syndrome. Also called: NIIKAWA-KUROKI SYNDROME; Kabuki make-up syndrome. Identifiers: Orphanet 2322, MedGen C0796004, MONDO:0016512.

gnomAD v4.1: 1 of 1,613,536 alleles (0.000062%); highest among the groups gnomAD compares: Non-Finnish European, 0.000085%; no homozygotes.

Submission:

Labcorp Genetics (formerly Invitae), Labcorp
Classification: Uncertain significance for Kabuki syndrome. Last evaluated: 2025-06-23. Review status: criteria provided, single submitter. Criteria: Invitae Variant Classification Sherloc (09022015). Collection method: clinical testing. Allele origin: germline.
Comment: This sequence change replaces proline, which is neutral and non-polar, with serine, which is neutral and polar, at codon 2343 of the KMT2D protein (p.Pro2343Ser). This variant is not present in population databases (gnomAD no frequency). This variant has not been reported in the literature in individuals affected with KMT2D-related conditions. ClinVar contains an entry for this variant (Variation ID: 3635139). Invitae Evidence Modeling of protein sequence and biophysical properties (such as structural, functional, and spatial information, amino acid conservation, physicochemical variation, residue mobility, and thermodynamic stability) indicates that this missense variant is not expected to disrupt KMT2D protein function with a negative predictive value of 95%. In summary, the available evidence is currently insufficient to determine the role of this variant in disease. Therefore, it has been classified as a Variant of Uncertain Significance.